The following is an entry in ClinVar:

NM_001041.4(SI):c.3896C>A (p.Ala1299Glu)

Gene: SI (sucrase-isomaltase; minus strand). Cytogenetic location: 3q26.1.
Variant type: single nucleotide variant.
Coding change: c.3896C>A on transcript NM_001041.4 (MANE Select); coding-DNA position 3896, C replaced by A.
Protein change: p.Ala1299Glu; replaces alanine 1299 with glutamic acid.
Molecular consequence: missense variant.
Genome position (GRCh38, 1-based): chr3:165,015,226, G>T on the plus strand (C>A on the coding strand, the complement: SI is on the minus strand). VCF-style: chr3-165015226-G-T. GRCh37 (hg19) VCF-style: chr3-164733014-G-T.
Other names: short protein forms A1299E.
Identifiers: ClinVar variation 591193 (VCV000591193.6), dbSNP rs1559990008, ClinGen allele CA355036072.

ClinVar aggregate classification (germline): Uncertain significance. Review status: criteria provided, multiple submitters, no conflicts (2 of 4 stars). 3 submissions from 3 submitters: Uncertain significance (2). 1 of the submissions does not count toward it. Last evaluated 2024-06-13.

Conditions:
Sucrase-isomaltase deficiency (CSID). Also called: Deficiency of isomaltase; Congenital sucrose isomaltose malabsorption; Sucrose isomaltose enzyme deficiency; SI DEFICIENCY. Identifiers: Orphanet 35122, MedGen C1283620, MONDO:0009114, OMIM 222900.

Allele frequency attached by ClinVar (database versions not stated): gnomAD 0.00001.
gnomAD v4.1: 2 of 1,609,784 alleles (0.00012%); highest among the groups gnomAD compares: African/African-American, 0.0013%; no homozygotes.

Submissions (3):

Fulgent Genetics
Classification: Uncertain significance for Sucrase-isomaltase deficiency. Last evaluated: 2024-06-13. Review status: criteria provided, single submitter. Criteria: ACMG Guidelines, 2015. Collection method: clinical testing. Allele origin: germline.

Labcorp Genetics (formerly Invitae), Labcorp
Classification: Uncertain significance. Last evaluated: 2022-02-19. Review status: criteria provided, single submitter. Criteria: Invitae Variant Classification Sherloc (09022015). Collection method: clinical testing. Allele origin: germline.
Comment: ClinVar contains an entry for this variant (Variation ID: 591193). In summary, the available evidence is currently insufficient to determine the role of this variant in disease. Therefore, it has been classified as a Variant of Uncertain Significance. Advanced modeling of protein sequence and biophysical properties (such as structural, functional, and spatial information, amino acid conservation, physicochemical variation, residue mobility, and thermodynamic stability) performed at Invitae indicates that this missense variant is expected to disrupt SI protein function. This variant has not been reported in the literature in individuals affected with SI-related conditions. This variant is not present in population databases (gnomAD no frequency). This sequence change replaces alanine, which is neutral and non-polar, with glutamic acid, which is acidic and polar, at codon 1299 of the SI protein (p.Ala1299Glu).

Gharavi Laboratory, Columbia University
Classification: Uncertain significance. Last evaluated: 2018-09-16. Review status: no assertion criteria provided. Criteria: ACMG Guidelines, 2015. Collection method: research. Allele origin: germline. Affected: yes. Not counted in ClinVar's aggregate classification.